The following is an entry in ClinVar:

ClinVar aggregate classification (germline): Likely benign (1 of 4 stars; one submission).

Conditions:
Hypercholesterolemia, autosomal dominant, 3 (FHCL3). Also called: Familial Hypercholesterolemia, Autosomal Dominant, 3; PCSK9-Related Familial Hypercholesterolemia, Autosomal Dominant; Familial hypercholesterolemia 3. Identifiers: MedGen C1863551, MONDO:0011369, OMIM 603776.

Submission:

All of Us Research Program, National Institutes of Health
Classification: Likely benign for Hypercholesterolemia, autosomal dominant, 3. Last evaluated: 2024-07-29. Review status: criteria provided, single submitter. Criteria: ACMG Guidelines, 2015. Collection method: clinical testing. Allele origin: germline. Inheritance: Autosomal dominant inheritance. Observed: 1 variant allele, 1 heterozygote.
Comment: This study involves interpretation of variants in research participants for the purpose of population health screening. Participant phenotype was not available at the time of variant classification. Additional details can be found in publication PMID: 35346344, PMCID: PMC8962531

NM_174936.4(PCSK9):c.1018_1021dup (p.Ala341fs)

Gene: PCSK9 (proprotein convertase subtilisin/kexin type 9; plus strand). Cytogenetic location: 1p32.3.
Variant type: Duplication.
Coding change: c.1018_1021dup on transcript NM_174936.4 (MANE Select); coding-DNA positions 1018 to 1021, 4 bases duplicated (AATG; older notation c.1018_1021dupAATG).
Protein change: p.Ala341fs; shifts the reading frame from alanine 341.
Molecular consequence: frameshift variant. On other transcripts: non-coding transcript variant (7).
Genome position (GRCh38, 1-based): chr1:55,057,352-55,057,355, AATG duplicated. VCF-style (leftmost placement, unchanged base first): chr1-55057351-C-CAATG. GRCh37 (hg19) VCF-style: chr1-55523024-C-CAATG.
Other names: c.1141_1144dup, p.Ala382fs (NM_001407240.1); c.1018_1021dup, p.Ala341fs (NM_001407241.1, NM_001407244.1, NM_001407247.1); c.1021_1024dup, p.Ala342fs (NM_001407242.1); c.961_964dup, p.Ala322fs (NM_001407243.1); c.826_829dup, p.Ala277fs (NM_001407245.1); c.643_646dup, p.Ala216fs (NM_001407246.1); short protein forms A216fs, A277fs, A322fs, A341fs, A342fs, A382fs.
Identifiers: ClinVar variation 3387440 (VCV003387440.1).